The following is an entry in ClinVar:

NM_002454.3(MTRR):c.*427T>C

Gene: MTRR (5-methyltetrahydrofolate-homocysteine methyltransferase reductase; plus strand). Cytogenetic location: 5p15.31.
Variant type: single nucleotide variant.
Coding change: c.*427T>C on transcript NM_002454.3 (MANE Select); 427 bases downstream of the stop codon, T replaced by C.
Molecular consequence: 3 prime UTR variant. On other transcripts: non-coding transcript variant (14).
Genome position (GRCh38, 1-based): chr5:7,900,485, T>C. VCF-style: chr5-7900485-T-C. GRCh37 (hg19) VCF-style: chr5-7900598-T-C.
Other names: c.*427T>C (NM_001364440.2, NM_001364441.2, NM_001364442.2 and 1 more transcripts).
Identifiers: ClinVar variation 354369 (VCV000354369.6), dbSNP rs9282787, ClinGen allele CA10622327.
Genomic context (GRCh38, chr5:7,900,485, plus strand): 5'-TTCTTGTGACTTACAGTGCCAACATTTAAAAAAGTATGAAAATGATTTATTTTTATATGA[T>C]GTATACCCATAAAGAATGCTCATATTAATGTACTTAAATTACACATGTAGAGCATATCTG-3'

ClinVar aggregate classification (germline): Benign. Review status: criteria provided, multiple submitters, no conflicts (2 of 4 stars). 2 submissions from 2 submitters: Benign (2). Last evaluated 2018-01-13.

Conditions:
Disorders of Intracellular Cobalamin Metabolism. Identifiers: MedGen CN043592.

Allele frequency attached by ClinVar (database versions not stated): 1000 Genomes Project 0.08307; 1000 Genomes Project 30x 0.08432; TOPMed 0.14595; gnomAD 0.15358 and 0.15820; gnomAD exomes 0.18741.
gnomAD v4.1: 32,403 of 199,780 alleles (16%); highest among the groups gnomAD compares: Non-Finnish European, 21%; 2,983 homozygotes.

Submissions (2):

Illumina Laboratory Services, Illumina
Classification: Benign for Disorders of Intracellular Cobalamin Metabolism. Last evaluated: 2018-01-13. Review status: criteria provided, single submitter. Criteria: ICSL Variant Classification Criteria 13 December 2019. Collection method: clinical testing. Allele origin: germline.
Comment: This variant was observed in the ICSL laboratory as part of a predisposition screen in an ostensibly healthy population. It had not been previously curated by ICSL or reported in the Human Gene Mutation Database (HGMD: prior to June 1st, 2018), and was therefore a candidate for classification through an automated scoring system. Utilizing variant allele frequency, disease prevalence and penetrance estimates, and inheritance mode, an automated score was calculated to assess if this variant is too frequent to cause the disease. Based on the score and internal cut-off values, a variant classified as benign is not then subjected to further curation. The score for this variant resulted in a classification of benign for this disease.

Breakthrough Genomics
Classification: Benign. Review status: criteria provided, single submitter. Criteria: ACMG Guidelines, 2015. Collection method: not provided. Allele origin: germline. Inheritance: Autosomal recessive inheritance. Affected: yes.